The following is an entry in ClinVar:

NM_001365951.3(KIF1B):c.1590+339T>C

Gene: KIF1B (kinesin family member 1B; plus strand). Cytogenetic location: 1p36.22.
Variant type: single nucleotide variant.
Coding change: c.1590+339T>C on transcript NM_001365951.3 (MANE Select); 339 bases into the intron after coding-DNA position 1590, T replaced by C.
Molecular consequence: intron variant.
Genome position (GRCh38, 1-based): chr1:10,292,461, T>C. VCF-style: chr1-10292461-T-C. GRCh37 (hg19) VCF-style: chr1-10352519-T-C.
Other names: c.1452+339T>C (NM_183416.4, NM_015074.3, NM_001365953.1); c.1590+339T>C (NM_001365952.1).
Identifiers: ClinVar variation 4874171 (VCV004874171.2).
Genomic context (GRCh38, chr1:10,292,461, plus strand): 5'-TTGCTTTCTCTTAAATTCCCAGCCTAACCTAGCGTACTTTCAGTTTTGGCTACTCTTTCA[T>C]GTAGATTTTCCCACAGAAGTCGTCTACCCTGCTTTATAACTTTTTGGAACCAATTTCAGC-3'

ClinVar aggregate classification (germline): Likely benign (1 of 4 stars; one submission).

gnomAD v4.1: 35 of 306,592 alleles (0.011%); highest among the groups gnomAD compares: Non-Finnish European, 0.019%; no homozygotes.

Submission:

CeGaT Center for Human Genetics Tuebingen
Classification: Likely benign. Last evaluated: 2026-07-01. Review status: criteria provided, single submitter. Criteria: CeGaT Center For Human Genetics Tuebingen Variant Classification Criteria Version 2. Collection method: clinical testing. Allele origin: germline. Affected: yes. Observed: 2 variant alleles.
Comment: KIF1B: BP4